The following is an entry in ClinVar:

ClinVar aggregate classification (germline): Benign (1 of 4 stars; one submission).

Allele frequency attached by ClinVar (database versions not stated): gnomAD exomes 0.01255; gnomAD 0.08112 and 0.08731; 1000 Genomes Project 0.08606; 1000 Genomes Project 30x 0.09182; TOPMed 0.09229.
gnomAD v4.1: 14,145 of 299,352 alleles (4.7%); highest among the groups gnomAD compares: African/African-American, 28%; 1,826 homozygotes.

Submission:

GeneDx
Classification: Benign. Last evaluated: 2018-06-18. Review status: criteria provided, single submitter. Criteria: GeneDx Variant Classification (06012015). Collection method: clinical testing. Allele origin: germline. Affected: yes.
Comment: This variant is considered likely benign or benign based on one or more of the following criteria: it is a conservative change, it occurs at a poorly conserved position in the protein, it is predicted to be benign by multiple in silico algorithms, and/or has population frequency not consistent with disease.

NM_004333.6(BRAF):c.1993-298T>C

Gene: BRAF (B-Raf proto-oncogene, serine/threonine kinase; minus strand). Cytogenetic location: 7q34.
Variant type: single nucleotide variant.
Coding change: c.1993-298T>C on transcript NM_004333.6 (MANE Select); 298 bases into the intron before coding-DNA position 1993, T replaced by C.
Molecular consequence: intron variant.
Genome position (GRCh38, 1-based): chr7:140,740,244, A>G on the plus strand (T>C on the coding strand, the complement: BRAF is on the minus strand). VCF-style: chr7-140740244-A-G. GRCh37 (hg19) VCF-style: chr7-140440044-A-G.
Other names: c.1993-298T>C (NM_001378474.1, NM_001378468.1, NM_001354609.2); c.1891-298T>C (NM_001378470.1); c.1729-298T>C (NM_001378475.1); c.1882-298T>C (NM_001378471.1); c.2113-298T>C (NM_001374258.1, NM_001374244.1); c.2002-298T>C (NM_001378467.1); c.1837-298T>C (NM_001378472.1, NM_001378473.1); c.1927-298T>C (NM_001378469.1).
Identifiers: ClinVar variation 561854 (VCV000561854.1), dbSNP rs7797753, ClinGen allele CA168038383.